The following is an entry in ClinVar:

NM_016216.4(DBR1):c.1333A>C (p.Ser445Arg)

Gene: DBR1 (debranching RNA lariats 1; minus strand). Cytogenetic location: 3q22.3.
Variant type: single nucleotide variant.
Coding change: c.1333A>C on transcript NM_016216.4 (MANE Select); coding-DNA position 1333, A replaced by C.
Protein change: p.Ser445Arg; replaces serine 445 with arginine.
Molecular consequence: missense variant.
Genome position (GRCh38, 1-based): chr3:138,162,191, T>G on the plus strand (A>C on the coding strand, the complement: DBR1 is on the minus strand). VCF-style: chr3-138162191-T-G. GRCh37 (hg19) VCF-style: chr3-137881033-T-G.
Other names: short protein forms S445R.
Identifiers: ClinVar variation 2486265 (VCV002486265.3), dbSNP rs949382702, ClinGen allele CA83879533.

ClinVar aggregate classification (germline): Uncertain significance. Review status: criteria provided, multiple submitters, no conflicts (2 of 4 stars). 2 submissions from 2 submitters: Uncertain significance (2). Last evaluated 2025-12-24.

Conditions:
Inborn genetic diseases. Identifiers: MedGen C0950123, MeSH D030342.

Allele frequency attached by ClinVar (database versions not stated): gnomAD exomes below 0.00001.
gnomAD v4.1: 2 of 1,614,176 alleles (0.00012%); highest among the groups gnomAD compares: Non-Finnish European, 0.00017%; no homozygotes.

Submissions (2):

Labcorp Genetics (formerly Invitae), Labcorp
Classification: Uncertain significance. Last evaluated: 2025-12-24. Review status: criteria provided, single submitter. Criteria: Invitae Variant Classification Sherloc (09022015). Collection method: clinical testing. Allele origin: germline.
Comment: This sequence change replaces serine, which is neutral and polar, with arginine, which is basic and polar, at codon 445 of the DBR1 protein (p.Ser445Arg). This variant is not present in population databases (gnomAD no frequency). This variant has not been reported in the literature in individuals affected with DBR1-related conditions. ClinVar contains an entry for this variant (Variation ID: 2486265). An algorithm developed to predict the effect of missense changes on protein structure and function (PolyPhen-2) suggests that this variant is likely to be tolerated. In summary, the available evidence is currently insufficient to determine the role of this variant in disease. Therefore, it has been classified as a Variant of Uncertain Significance.

Ambry Genetics
Classification: Uncertain significance for Inborn genetic diseases. Last evaluated: 2023-02-16. Review status: criteria provided, single submitter. Criteria: Ambry Variant Classification Scheme 2023. Collection method: clinical testing. Allele origin: germline.